The following is an entry in ClinVar:

ClinVar aggregate classification (germline): Uncertain significance. Review status: criteria provided, multiple submitters, no conflicts (2 of 4 stars). 2 submissions from 2 submitters: Uncertain significance (2). Last evaluated 2023-09-21.

Conditions:
Inborn genetic diseases. Identifiers: MedGen C0950123, MeSH D030342.
PHGDH deficiency. Identifiers: Orphanet 79351, MedGen C1866174, MONDO:0011152, OMIM 601815.

Allele frequency attached by ClinVar (database versions not stated): gnomAD exomes below 0.00001; ExAC 0.00001.

Submissions (2):

Ambry Genetics
Classification: Uncertain significance for Inborn genetic diseases. Last evaluated: 2023-09-21. Review status: criteria provided, single submitter. Criteria: Ambry Variant Classification Scheme 2023. Collection method: clinical testing. Allele origin: germline.

Labcorp Genetics (formerly Invitae), Labcorp
Classification: Uncertain significance for PHGDH deficiency. Last evaluated: 2022-08-03. Review status: criteria provided, single submitter. Criteria: Invitae Variant Classification Sherloc (09022015). Collection method: clinical testing. Allele origin: germline.
Comment: This sequence change replaces aspartic acid, which is acidic and polar, with asparagine, which is neutral and polar, at codon 241 of the PHGDH protein (p.Asp241Asn). This variant is present in population databases (rs763170065, gnomAD 0.002%). This variant has not been reported in the literature in individuals affected with PHGDH-related conditions. Algorithms developed to predict the effect of missense changes on protein structure and function are either unavailable or do not agree on the potential impact of this missense change (SIFT: "Tolerated"; PolyPhen-2: "Possibly Damaging"; Align-GVGD: "Class C0"). In summary, the available evidence is currently insufficient to determine the role of this variant in disease. Therefore, it has been classified as a Variant of Uncertain Significance.

NM_006623.4(PHGDH):c.721G>A (p.Asp241Asn)

Gene: PHGDH (phosphoglycerate dehydrogenase; plus strand). Cytogenetic location: 1p12.
Variant type: single nucleotide variant.
Coding change: c.721G>A on transcript NM_006623.4 (MANE Select); coding-DNA position 721, G replaced by A.
Protein change: p.Asp241Asn; replaces aspartic acid 241 with asparagine.
Molecular consequence: missense variant.
Genome position (GRCh38, 1-based): chr1:119,735,372, G>A. VCF-style: chr1-119735372-G-A. GRCh37 (hg19) VCF-style: chr1-120277995-G-A.
Other names: c.721G>A (NM_006623.3); short protein forms D241N.
Identifiers: ClinVar variation 2154338 (VCV002154338.2), dbSNP rs763170065, ClinGen allele CA1037228.